The following is an entry in ClinVar:

ClinVar aggregate classification (germline): Likely benign. Review status: criteria provided, multiple submitters, no conflicts (2 of 4 stars). 4 submissions from 4 submitters: Likely benign (3). 1 of the submissions does not count toward it. Last evaluated 2025-10-23.

Conditions:
LAMA5-related disorder. Also called: LAMA5-related condition; LAMA5-Related Disorders.
Inborn genetic diseases. Identifiers: MedGen C0950123, MeSH D030342.

Allele frequency attached by ClinVar (database versions not stated): gnomAD 0.00166 and 0.00178; ESP Exome Variant Server 0.00185; 1000 Genomes Project 30x 0.00203; TOPMed 0.00209; 1000 Genomes Project 0.00240.
gnomAD v4.1: 550 of 1,608,888 alleles (0.034%); highest among the groups gnomAD compares: African/African-American, 0.64%; 2 homozygotes.

Submissions (4):

Labcorp Genetics (formerly Invitae), Labcorp
Classification: Likely benign. Last evaluated: 2025-10-23. Review status: criteria provided, single submitter. Criteria: Invitae Variant Classification Sherloc (09022015). Collection method: clinical testing. Allele origin: germline.

Ambry Genetics
Classification: Likely benign for Inborn genetic diseases. Last evaluated: 2024-06-16. Review status: criteria provided, single submitter. Criteria: Ambry Variant Classification Scheme 2023. Collection method: clinical testing. Allele origin: germline.

Breakthrough Genomics
Classification: Likely benign. Review status: criteria provided, single submitter. Criteria: ACMG Guidelines, 2015. Collection method: not provided. Allele origin: germline. Inheritance: Autosomal recessive inheritance. Affected: yes.

PreventionGenetics, part of Exact Sciences
Classification: Likely benign for LAMA5-related condition. Last evaluated: 2021-06-10. Review status: no assertion criteria provided. Collection method: clinical testing. Allele origin: germline. Not counted in ClinVar's aggregate classification.
Comment: This variant is classified as likely benign based on ACMG/AMP sequence variant interpretation guidelines (Richards et al. 2015 PMID: 25741868, with internal and published modifications).

NM_005560.6(LAMA5):c.7888G>A (p.Ala2630Thr)

Gene: LAMA5 (laminin subunit alpha 5; minus strand). Cytogenetic location: 20q13.33.
Variant type: single nucleotide variant.
Coding change: c.7888G>A on transcript NM_005560.6 (MANE Select); coding-DNA position 7888, G replaced by A.
Protein change: p.Ala2630Thr; replaces alanine 2630 with threonine.
Molecular consequence: missense variant.
Genome position (GRCh38, 1-based): chr20:62,315,187, C>T on the plus strand (G>A on the coding strand, the complement: LAMA5 is on the minus strand). VCF-style: chr20-62315187-C-T. GRCh37 (hg19) VCF-style: chr20-60890243-C-T.
Other names: c.7888G>A (NM_005560.3); short protein forms A2630T.
Identifiers: ClinVar variation 729424 (VCV000729424.12), dbSNP rs114717889, ClinGen allele CA9940964.
Genomic context (GRCh38, chr20:62,315,187, plus strand): 5'-GCTGGGACTGCACACGGGTGGCGGTGTCCTGGGCTTCAGCAGCCACAGCCTTGGCATGTG[C>T]GATCTTCTTGCTTGTCTCGTCTGTGGTGGGCAGAGGGCAGGCTCAGCAGGGGCCAGCGGG-3'
Protein context (NP_005551.3, residues 2620-2640): MDTDETSKKI[Ala2630Thr]HAKAVAAEAQ